The following is an entry in ClinVar:

NM_001003800.2(BICD2):c.705C>G (p.Ile235Met)

Gene: BICD2 (BICD cargo adaptor 2; minus strand). Cytogenetic location: 9q22.31.
Variant type: single nucleotide variant.
Coding change: c.705C>G on transcript NM_001003800.2 (MANE Select); coding-DNA position 705, C replaced by G.
Protein change: p.Ile235Met; replaces isoleucine 235 with methionine.
Molecular consequence: missense variant.
Genome position (GRCh38, 1-based): chr9:92,720,657, G>C on the plus strand (C>G on the coding strand, the complement: BICD2 is on the minus strand). VCF-style: chr9-92720657-G-C. GRCh37 (hg19) VCF-style: chr9-95482939-G-C.
Other names: c.705C>G, p.Ile235Met (NM_015250.4); short protein forms I235M.
Identifiers: ClinVar variation 859831 (VCV000859831.10), dbSNP rs1183367895, ClinGen allele CA374043943.

ClinVar aggregate classification (germline): Uncertain significance (1 of 4 stars; one submission).

Conditions:
Autosomal dominant childhood-onset proximal spinal muscular atrophy with contractures (SMALED2A). Also called: SPINAL MUSCULAR ATROPHY, LOWER EXTREMITY-PREDOMINANT, 2A, CHILDHOOD ONSET, AUTOSOMAL DOMINANT; Spinal muscular atrophy, lower extremity-predominant, 2A, autosomal dominant. Identifiers: Orphanet 363447, Orphanet 363454, MedGen C4747715, MONDO:0014121, OMIM 615290.

Submission:

Labcorp Genetics (formerly Invitae), Labcorp
Classification: Uncertain significance for Autosomal dominant childhood-onset proximal spinal muscular atrophy with contractures. Last evaluated: 2022-06-04. Review status: criteria provided, single submitter. Criteria: Invitae Variant Classification Sherloc (09022015). Collection method: clinical testing. Allele origin: germline.
Comment: This sequence change replaces isoleucine, which is neutral and non-polar, with methionine, which is neutral and non-polar, at codon 235 of the BICD2 protein (p.Ile235Met). This variant is not present in population databases (gnomAD no frequency). This variant has not been reported in the literature in individuals affected with BICD2-related conditions. ClinVar contains an entry for this variant (Variation ID: 859831). Advanced modeling of protein sequence and biophysical properties (such as structural, functional, and spatial information, amino acid conservation, physicochemical variation, residue mobility, and thermodynamic stability) performed at Invitae indicates that this missense variant is expected to disrupt BICD2 protein function. In summary, the available evidence is currently insufficient to determine the role of this variant in disease. Therefore, it has been classified as a Variant of Uncertain Significance.